The following is an entry in ClinVar:

ClinVar aggregate classification (germline): Likely benign. Review status: criteria provided, multiple submitters, no conflicts (2 of 4 stars). 4 submissions from 4 submitters: Likely benign (3). 1 of the submissions does not count toward it. Last evaluated 2026-07-01.

Conditions:
ACO2-related disorder. Also called: ACO2-Related Disorders.

Allele frequency attached by ClinVar (database versions not stated): ExAC 0.00002; gnomAD exomes 0.00003 and 0.00013; gnomAD 0.00035 and 0.00036; TOPMed 0.00044.
gnomAD v4.1: 101 of 1,614,084 alleles (0.0063%); highest among the groups gnomAD compares: Admixed American, 0.16%; no homozygotes.

Submissions (4):

CeGaT Center for Human Genetics Tuebingen
Classification: Likely benign. Last evaluated: 2026-07-01. Review status: criteria provided, single submitter. Criteria: CeGaT Center For Human Genetics Tuebingen Variant Classification Criteria Version 2. Collection method: clinical testing. Allele origin: germline. Affected: yes. Observed: 1 variant allele.
Comment: ACO2: BP4, BP7

Labcorp Genetics (formerly Invitae), Labcorp
Classification: Likely benign. Last evaluated: 2025-12-04. Review status: criteria provided, single submitter. Criteria: Invitae Variant Classification Sherloc (09022015). Collection method: clinical testing. Allele origin: germline.

Blueprint Genetics
Classification: Likely benign. Last evaluated: 2021-02-24. Review status: criteria provided, single submitter. Criteria: ACMG Guidelines, 2015. Collection method: clinical testing. Allele origin: germline.

PreventionGenetics, part of Exact Sciences
Classification: Likely benign for ACO2-related condition. Last evaluated: 2019-06-15. Review status: no assertion criteria provided. Collection method: clinical testing. Allele origin: germline. Not counted in ClinVar's aggregate classification.
Comment: This variant is classified as likely benign based on ACMG/AMP sequence variant interpretation guidelines (Richards et al. 2015 PMID: 25741868, with internal and published modifications).

NM_001098.3(ACO2):c.2113C>T (p.Leu705=)

Genes: ACO2 (aconitase 2; plus strand), POLR3H (RNA polymerase III subunit H; minus strand). Cytogenetic location: 22q13.2.
Variant type: single nucleotide variant.
Coding change: c.2113C>T on transcript NM_001098.3 (MANE Select); coding-DNA position 2113, C replaced by T.
Protein change: p.Leu705=; no amino-acid change (leucine 705 retained).
Molecular consequence: synonymous variant. On other transcripts: 3 prime UTR variant (5).
Genome position (GRCh38, 1-based): chr22:41,527,927, C>T. VCF-style: chr22-41527927-C-T. GRCh37 (hg19) VCF-style: chr22-41923931-C-T.
Other names: c.*1356G>A (NM_001018050.4, NM_001018052.4, NM_001282884.2 and 2 more transcripts).
Identifiers: ClinVar variation 1596175 (VCV001596175.12), dbSNP rs61736478, ClinGen allele CA10257894.